The following is an entry in ClinVar:

NM_004371.4(COPA):c.1984C>G (p.Leu662Val)

Gene: COPA (coat protein complex I subunit alpha; minus strand). Cytogenetic location: 1q23.2.
Variant type: single nucleotide variant.
Coding change: c.1984C>G on transcript NM_004371.4 (MANE Select); coding-DNA position 1984, C replaced by G.
Protein change: p.Leu662Val; replaces leucine 662 with valine.
Molecular consequence: missense variant.
Genome position (GRCh38, 1-based): chr1:160,297,739, G>C on the plus strand (C>G on the coding strand, the complement: COPA is on the minus strand). VCF-style: chr1-160297739-G-C. GRCh37 (hg19) VCF-style: chr1-160267529-G-C.
Other names: c.2011C>G, p.Leu671Val (NM_001098398.2); short protein forms L662V, L671V.
Identifiers: ClinVar variation 967406 (VCV000967406.9), dbSNP rs1014100360, ClinGen allele CA31536336.

ClinVar aggregate classification (germline): Uncertain significance (1 of 4 stars; one submission).

Conditions:
Autoimmune interstitial lung disease-arthritis syndrome. Also called: Autoinflammation and autoimmunity, systemic, with immune dysregulation. Identifiers: Orphanet 444092, MedGen C5975714, MONDO:0014629.

Allele frequency attached by ClinVar (database versions not stated): gnomAD exomes below 0.00001.
gnomAD v4.1: 3 of 1,613,608 alleles (0.00019%); highest among the groups gnomAD compares: Non-Finnish European, 0.00025%; no homozygotes.

Submission:

Labcorp Genetics (formerly Invitae), Labcorp
Classification: Uncertain significance for Autoimmune interstitial lung disease-arthritis syndrome. Last evaluated: 2025-03-30. Review status: criteria provided, single submitter. Criteria: Invitae Variant Classification Sherloc (09022015). Collection method: clinical testing. Allele origin: germline.
Comment: This sequence change replaces leucine, which is neutral and non-polar, with valine, which is neutral and non-polar, at codon 662 of the COPA protein (p.Leu662Val). This variant is not present in population databases (gnomAD no frequency). This variant has not been reported in the literature in individuals affected with COPA-related conditions. ClinVar contains an entry for this variant (Variation ID: 967406). Invitae Evidence Modeling of protein sequence and biophysical properties (such as structural, functional, and spatial information, amino acid conservation, physicochemical variation, residue mobility, and thermodynamic stability) indicates that this missense variant is not expected to disrupt COPA protein function with a negative predictive value of 80%. In summary, the available evidence is currently insufficient to determine the role of this variant in disease. Therefore, it has been classified as a Variant of Uncertain Significance.